The following is an entry in ClinVar:

ClinVar aggregate classification (germline): Conflicting classifications of pathogenicity. Review status: criteria provided, conflicting classifications (1 of 4 stars). 2 submissions from 2 submitters: Uncertain significance (1); Likely benign (1). Last evaluated 2024-10-29.

Allele frequency attached by ClinVar (database versions not stated): ExAC 0.00002; gnomAD 0.00002; gnomAD exomes 0.00004; TOPMed 0.00004; ESP Exome Variant Server 0.00008.
gnomAD v4.1: 62 of 1,612,306 alleles (0.0038%); highest among the groups gnomAD compares: Non-Finnish European, 0.0051%; no homozygotes.

Submissions (2):

Women's Health and Genetics/Laboratory Corporation of America, LabCorp
Classification: Uncertain significance. Last evaluated: 2024-10-29. Review status: criteria provided, single submitter. Criteria: LabCorp Variant Classification Summary - May 2015. Collection method: clinical testing. Allele origin: germline.
Comment: Variant summary: POU1F1 c.873A>G alters a non-conserved nucleotide resulting in a synonymous change. Several computational tools predict a significant impact on normal splicing: Four predict the variant creates a crypic 5' donor site. However, these predictions have yet to be confirmed by functional studies. The variant allele was found at a frequency of 1.6e-05 in 250364 control chromosomes (gnomAD). The available data on variant occurrences in the general population are insufficient to allow any conclusion about variant significance. To our knowledge, no occurrence of c.873A>G in individuals affected with Combined Pituitary Hormone Deficiency and no experimental evidence demonstrating its impact on protein function have been reported. ClinVar contains an entry for this variant (Variation ID: 2902128). Based on the evidence outlined above, the variant was classified as uncertain significance.

Labcorp Genetics (formerly Invitae), Labcorp
Classification: Likely benign. Last evaluated: 2024-02-19. Review status: criteria provided, single submitter. Criteria: Invitae Variant Classification Sherloc (09022015). Collection method: clinical testing. Allele origin: germline.

NM_000306.4(POU1F1):c.873A>G (p.Arg291=)

Gene: POU1F1 (POU class 1 homeobox 1; minus strand). Cytogenetic location: 3p11.2.
Variant type: single nucleotide variant.
Coding change: c.873A>G on transcript NM_000306.4 (MANE Select); coding-DNA position 873, A replaced by G.
Protein change: p.Arg291=; no amino-acid change (arginine 291 retained).
Molecular consequence: synonymous variant.
Genome position (GRCh38, 1-based): chr3:87,259,897, T>C on the plus strand (A>G on the coding strand, the complement: POU1F1 is on the minus strand). VCF-style: chr3-87259897-T-C. GRCh37 (hg19) VCF-style: chr3-87309047-T-C.
Other names: c.951A>G, p.Arg317= (NM_001122757.3).
Identifiers: ClinVar variation 2902128 (VCV002902128.4), dbSNP rs144708108, ClinGen allele CA2501062.